The following is an entry in ClinVar:

ClinVar aggregate classification (germline): Uncertain significance (1 of 4 stars; one submission).

Conditions:
Ataxia-telangiectasia syndrome (AT). Also called: Ataxia-telangiectasia, complementation group D; AT, COMPLEMENTATION GROUP C; Ataxia-telangiectasia, complementation group E; Cerebello-oculocutaneous telangiectasia; Immunodeficiency with ataxia telangiectasia; ATAXIA-TELANGIECTASIA, COMPLEMENTATION GROUP A. Identifiers: Orphanet 100, MedGen C0004135, MONDO:0008840, OMIM 208900.

Submission:

Labcorp Genetics (formerly Invitae), Labcorp
Classification: Uncertain significance for Ataxia-telangiectasia syndrome. Last evaluated: 2018-12-03. Review status: criteria provided, single submitter. Criteria: Invitae Variant Classification Sherloc (09022015). Collection method: clinical testing. Allele origin: germline.
Comment: This variant is not present in population databases (ExAC no frequency). In summary, the available evidence is currently insufficient to determine the role of this variant in disease. Therefore, it has been classified as a Variant of Uncertain Significance. Algorithms developed to predict the effect of missense changes on protein structure and function (SIFT, PolyPhen-2, Align-GVGD) all suggest that this variant is likely to be disruptive, but these predictions have not been confirmed by published functional studies and their clinical significance is uncertain. This variant has not been reported in the literature in individuals with ATM-related disease. ClinVar contains an entry for this variant (Variation ID: 582869). This sequence change replaces leucine with proline at codon 1824 of the ATM protein (p.Leu1824Pro). The leucine residue is highly conserved and there is a moderate physicochemical difference between leucine and proline.

NM_000051.4(ATM):c.5471T>C (p.Leu1824Pro)

Gene: ATM (ATM serine/threonine kinase; plus strand). Cytogenetic location: 11q22.3.
Variant type: single nucleotide variant.
Coding change: c.5471T>C on transcript NM_000051.4 (MANE Select); coding-DNA position 5471, T replaced by C.
Protein change: p.Leu1824Pro; replaces leucine 1824 with proline.
Molecular consequence: missense variant.
Genome position (GRCh38, 1-based): chr11:108,303,004, T>C. VCF-style: chr11-108303004-T-C. GRCh37 (hg19) VCF-style: chr11-108173731-T-C.
Other names: c.5471T>C, p.Leu1824Pro (NM_001351834.2); short protein forms L1824P.
Identifiers: ClinVar variation 582869 (VCV000582869.8), dbSNP rs1565479465, ClinGen allele CA382544388.